The following is an entry in ClinVar:

ClinVar aggregate classification (germline): Pathogenic (1 of 4 stars; one submission).

Submission:

Quest Diagnostics Nichols Institute San Juan Capistrano
Classification: Pathogenic. Last evaluated: 2024-04-26. Review status: criteria provided, single submitter. Criteria: ACMG/ClinGen CNV Guidelines, 2019. Collection method: clinical testing. Allele origin: unknown.
Comment: This loss involves at least 20 protein-coding genes. Haploinsufficiency of NAA15 is associated with autosomal dominant intellectual developmental disorder 50 with behavioral abnormalities (OMIM 617787; Cheng 2018, Rehm 2015). Heterozygous deletions overlapping the current interval have been reported in individuals with variable phenotypes consistent with this disorder (Ayaz 2022, Cheng 2018, Duga 2014, Rim 2015, Thuresson 2007). There are no similar copy number losses of this region in the general populations of the Database of Genomic Variants. Thus, this copy number variant (CNV) is classified as pathogenic. References: Ayaz et al., Medeni Med J. 2022 Jun 23;37(2):180-193. PMID: 35735171; Cheng et al., Am J Hum Genet. 2018 May 3;102(5):985-994. PMID: 29656860; Duga et al., Mol Cytogenet. 2014 Jun 5:7:36. PMID: 24959202; Rehm et al., N Engl J Med. 2015 Jun 4;372(23):2235-42. PMID: 26014595; Rim et al., Yonsei Med J. 2015 Nov;56(6):1742-4. PMID: 26446663; Thuresson et al., Cytogenet Genome Res. 2007;118(1):1-7. PMID: 17901693

GRCh37/hg19 4q28.3-31.21(chr4:137222514-142805472)x1

Genes: CLGN (calmegin; minus strand), ELF2 (E74 like ETS transcription factor 2; minus strand), ELMOD2 (ELMO domain containing 2; plus strand), IL15 (interleukin 15; plus strand), MAML3 (mastermind like transcriptional coactivator 3; minus strand) and 15 more. Cytogenetic location: 4q28.3-31.21.
Variant type: copy number loss.
Change: copy number 1 (one copy instead of two) of chr4:137,222,514-142,805,472 (5.58 Mb, GRCh37 coordinates, 1-based), cytogenetic band 4q28.3-31.21.
Identifiers: ClinVar variation 3391884 (VCV003391884.1).